The following is an entry in ClinVar:

NM_003900.5(SQSTM1):c.527C>G (p.Ser176Cys)

Gene: SQSTM1 (sequestosome 1; plus strand). Cytogenetic location: 5q35.3.
Variant type: single nucleotide variant.
Coding change: c.527C>G on transcript NM_003900.5 (MANE Select); coding-DNA position 527, C replaced by G.
Protein change: p.Ser176Cys; replaces serine 176 with cysteine.
Molecular consequence: missense variant.
Genome position (GRCh38, 1-based): chr5:179,824,083, C>G. VCF-style: chr5-179824083-C-G. GRCh37 (hg19) VCF-style: chr5-179251083-C-G.
Other names: c.275C>G, p.Ser92Cys (NM_001142298.2, NM_001142299.2); short protein forms S176C, S92C.
Identifiers: ClinVar variation 1418751 (VCV001418751.8), dbSNP rs1229776140, ClinGen allele CA362445152.

ClinVar aggregate classification (germline): Uncertain significance (1 of 4 stars; one submission).

Conditions:
Paget disease of bone 2, early-onset (PDB2). Also called: Paget disease of bone 2. Identifiers: MedGen C4085251, MONDO:0011183, OMIM 602080.
Frontotemporal dementia and/or amyotrophic lateral sclerosis 1 (FTDALS1). Also called: C9orf72 Frontotemporal Dementia and/or Amyotrophic Lateral Sclerosis; Frontotemporal dementia with motor neuron disease 1. Identifiers: Orphanet 275872, MedGen C5779877, MONDO:0007105, OMIM 105550.

Submission:

Labcorp Genetics (formerly Invitae), Labcorp
Classification: Uncertain significance for Paget disease of bone 2, early-onset; Frontotemporal dementia and/or amyotrophic lateral sclerosis 1. Last evaluated: 2022-06-13. Review status: criteria provided, single submitter. Criteria: Invitae Variant Classification Sherloc (09022015). Collection method: clinical testing. Allele origin: germline.
Comment: In summary, the available evidence is currently insufficient to determine the role of this variant in disease. Therefore, it has been classified as a Variant of Uncertain Significance. Algorithms developed to predict the effect of sequence changes on RNA splicing suggest that this variant may create or strengthen a splice site. Algorithms developed to predict the effect of missense changes on protein structure and function (SIFT, PolyPhen-2, Align-GVGD) all suggest that this variant is likely to be tolerated. This variant has not been reported in the literature in individuals affected with SQSTM1-related conditions. This variant is not present in population databases (gnomAD no frequency). This sequence change replaces serine, which is neutral and polar, with cysteine, which is neutral and slightly polar, at codon 176 of the SQSTM1 protein (p.Ser176Cys).